The following is an entry in ClinVar:

ClinVar aggregate classification (germline): Uncertain significance (1 of 4 stars; one submission).

Allele frequency attached by ClinVar (database versions not stated): ExAC 0.00001; gnomAD 0.00001; gnomAD exomes 0.00001; TOPMed 0.00001; ESP Exome Variant Server 0.00008.
gnomAD v4.1: 13 of 1,607,774 alleles (0.00081%); highest among the groups gnomAD compares: Non-Finnish European, 0.001%; no homozygotes.

Submission:

Ambry Genetics
Classification: Uncertain significance. Last evaluated: 2023-09-14. Review status: criteria provided, single submitter. Criteria: Ambry Variant Classification Scheme 2023. Collection method: clinical testing. Allele origin: germline.
Comment: The p.Q1679E variant (also known as c.5035C>G), located in coding exon 16 of the POLQ gene, results from a C to G substitution at nucleotide position 5035. The glutamine at codon 1679 is replaced by glutamic acid, an amino acid with highly similar properties. This amino acid position is conserved. In addition, this alteration is predicted to be tolerated by in silico analysis. Since supporting evidence is limited at this time, the clinical significance of this alteration remains unclear.

NM_199420.4(POLQ):c.5035C>G (p.Gln1679Glu)

Gene: POLQ (DNA polymerase theta; minus strand). Cytogenetic location: 3q13.33.
Variant type: single nucleotide variant.
Coding change: c.5035C>G on transcript NM_199420.4 (MANE Select); coding-DNA position 5035, C replaced by G.
Protein change: p.Gln1679Glu; replaces glutamine 1679 with glutamic acid.
Molecular consequence: missense variant.
Genome position (GRCh38, 1-based): chr3:121,487,896, G>C on the plus strand (C>G on the coding strand, the complement: POLQ is on the minus strand). VCF-style: chr3-121487896-G-C. GRCh37 (hg19) VCF-style: chr3-121206743-G-C.
Other names: short protein forms Q1679E.
Identifiers: ClinVar variation 1744915 (VCV001744915.3), dbSNP rs377549311, ClinGen allele CA2562808.